The following is an entry in ClinVar:

ClinVar aggregate classification (germline): Likely pathogenic (1 of 4 stars; one submission).

Conditions:
Pontocerebellar hypoplasia, type 13. Identifiers: Orphanet 613267, MedGen C5231425, MONDO:0032831, OMIM 618606.

Submission:

Variantyx, Inc.
Classification: Likely pathogenic for Pontocerebellar hypoplasia, type 13. Last evaluated: 2025-05-19. Review status: criteria provided, single submitter. Criteria: Variantyx Assertion Criteria 2022. Collection method: clinical testing. Allele origin: paternal. Inheritance: Autosomal recessive inheritance. Affected: no.
Comment: Pathogenic variants in this gene have been associated with autosomal recessive pontocerebellar hypoplasia, type 13. This variant introduces a premature termination codon in exon 3 out of 10 and is expected to result in loss of function, which is a known disease mechanism for VPS51 in this disorder (PMID: 30624672, 31207318) (PVS1). This variant has a 0.0029% maximum allele frequency in non-founder control populations (PM2_Supporting) and it has not been reported in individuals with VPS51-related disorders in the databases available for review. Based on the current evidence, this variant is classified as likely pathogenic for autosomal recessive pontocerebellar hypoplasia, type 13.

Literature cited by the submitters: PubMed 30624672; PubMed 31207318.

NM_013265.4(VPS51):c.409del (p.Asp137fs)

Gene: VPS51 (VPS51 subunit of GARP complex; plus strand). Cytogenetic location: 11q13.1.
Variant type: Deletion.
Coding change: c.409del on transcript NM_013265.4 (MANE Select); coding-DNA position 409, one base deleted (G; older notation c.409delG).
Protein change: p.Asp137fs; shifts the reading frame from aspartic acid 137.
Molecular consequence: frameshift variant. On other transcripts: non-coding transcript variant (1).
Genome position (GRCh38, 1-based): chr11:65,107,631, G deleted; the last of 2 consecutive G bases (chr11:65,107,630-65,107,631); deleting either gives the same sequence. VCF-style (leftmost placement, unchanged base first): chr11-65107629-TG-T. GRCh37 (hg19) VCF-style: chr11-64875101-TG-T.
Other names: short protein forms D137fs.
Identifiers: ClinVar variation 4850129 (VCV004850129.1).